The following is an entry in ClinVar:

NM_138927.4(SON):c.5006C>T (p.Pro1669Leu)

Gene: SON (SON DNA and RNA binding protein; plus strand). Cytogenetic location: 21q22.11.
Variant type: single nucleotide variant.
Coding change: c.5006C>T on transcript NM_138927.4 (MANE Select); coding-DNA position 5006, C replaced by T.
Protein change: p.Pro1669Leu; replaces proline 1669 with leucine.
Molecular consequence: missense variant. On other transcripts: non-coding transcript variant (1), intron variant (1).
Genome position (GRCh38, 1-based): chr21:33,554,237, C>T. VCF-style: chr21-33554237-C-T. GRCh37 (hg19) VCF-style: chr21-34926543-C-T.
Other names: c.5006C>T, p.Pro1669Leu (NM_001291411.2, NM_001412133.1, NM_032195.3 and 2 more transcripts); c.245-2919C>T (NM_001291412.3); short protein forms P1669L.
Identifiers: ClinVar variation 2429043 (VCV002429043.4), dbSNP rs1347124037, ClinGen allele CA410163852.

ClinVar aggregate classification (germline): Uncertain significance (1 of 4 stars; one submission).

Allele frequency attached by ClinVar (database versions not stated): gnomAD exomes below 0.00001; gnomAD 0.00001; TOPMed 0.00001.
gnomAD v4.1: 4 of 1,613,832 alleles (0.00025%); highest among the groups gnomAD compares: African/African-American, 0.004%; no homozygotes.

Submission:

Greenwood Genetic Center Diagnostic Laboratories, Greenwood Genetic Center
Classification: Uncertain significance. Last evaluated: 2022-12-19. Review status: criteria provided, single submitter. Criteria: ACMG Guidelines, 2015. Collection method: clinical testing. Allele origin: germline. Affected: yes.
Comment: PM2